The following is an entry in ClinVar:

NM_152347.5(EFCAB13):c.525T>C (p.His175=)

Gene: EFCAB13 (EF-hand calcium binding domain 13; plus strand). Cytogenetic location: 17q21.32.
Variant type: single nucleotide variant.
Coding change: c.525T>C on transcript NM_152347.5 (MANE Select); coding-DNA position 525, T replaced by C.
Protein change: p.His175=; no amino-acid change (histidine 175 retained).
Molecular consequence: synonymous variant. On other transcripts: intron variant (1).
Genome position (GRCh38, 1-based): chr17:47,347,815, T>C. VCF-style: chr17-47347815-T-C. GRCh37 (hg19) VCF-style: chr17-45425181-T-C.
Other names: c.525T>C, p.His175= (NM_001426585.1, NM_001426587.1); c.*2700T>C (NM_001426591.1, NM_001426592.1, NM_001426593.1); c.517+2717T>C (NM_001195192.2).
Identifiers: ClinVar variation 3049648 (VCV003049648.2), dbSNP rs577139493, ClinGen allele CA8623720.
Genomic context (GRCh38, chr17:47,347,815, plus strand): 5'-GGATAATTATTCTTTTTGATTAACTAACTAAATGTTTTGTTATGTGTGTGCAGCACTTCA[T>C]AAAGCCTGTAAAATTTTTAGTAAAATTCGAAGTGGTAAGATTTATGTGAATGATCTTCCA-3'
Protein context (NP_689560.3, residues 165-185): YLHSKELSAL[His175=]KACKIFSKIR

ClinVar aggregate classification (germline): Likely benign (0 of 4 stars; one submission).

Conditions:
EFCAB13-related disorder. Also called: EFCAB13-related condition.

Allele frequency attached by ClinVar (database versions not stated): 1000 Genomes Project 30x 0.00016; gnomAD exomes 0.00016; gnomAD 0.00017; TOPMed 0.00018; 1000 Genomes Project 0.00020; ExAC 0.00021.
gnomAD v4.1: 234 of 1,496,766 alleles (0.016%); highest among the groups gnomAD compares: Non-Finnish European, 0.02%; no homozygotes.

Submission:

PreventionGenetics, part of Exact Sciences
Classification: Likely benign for EFCAB13-related condition. Last evaluated: 2022-03-10. Review status: no assertion criteria provided. Collection method: clinical testing. Allele origin: germline.
Comment: This variant is classified as likely benign based on ACMG/AMP sequence variant interpretation guidelines (Richards et al. 2015 PMID: 25741868, with internal and published modifications).